The following is an entry in ClinVar:

NM_000368.5(TSC1):c.2626-14_2626-13insTC

Gene: TSC1 (TSC complex subunit 1; minus strand). Cytogenetic location: 9q34.13.
Variant type: Insertion.
Coding change: c.2626-14_2626-13insTC on transcript NM_000368.5 (MANE Select); 14 bases into the intron before coding-DNA position 2626 through 13 bases into the intron before coding-DNA position 2626, TC inserted.
Molecular consequence: intron variant.
Genome position: GRCh38 VCF-style: chr9-132897623-A-AAG. GRCh37 (hg19) VCF-style: chr9-135773010-A-AAG.
Other names: c.2260-14_2260-13insTC (NM_001406620.1, NM_001406621.1, NM_001406622.1 and 1 more transcripts); c.2263-14_2263-13insTC (NM_001406618.1, NM_001406617.1, NM_001406619.1 and 4 more transcripts); c.2218-14_2218-13insTC (NM_001406625.1); c.2428-14_2428-13insTC (NM_001406613.1); c.2470-14_2470-13insTC (NM_001406612.1, NM_001406611.1); c.2473-14_2473-13insTC (NM_001406610.1, NM_001162427.2); c.1672-14_1672-13insTC (NM_001406627.1, NM_001406628.1); c.1573-14_1573-13insTC (NM_001406629.1, NM_001406630.1); and 8 more.
Identifiers: ClinVar variation 4071192 (VCV004071192.1).

ClinVar aggregate classification (germline): Likely benign (1 of 4 stars; one submission).

Conditions:
Tuberous sclerosis 1 (TSC1). Identifiers: Orphanet 805, MedGen C1854465, MONDO:0008612, OMIM 191100.

Submission:

Myriad Genetics, Inc.
Classification: Likely benign for Tuberous sclerosis 1. Last evaluated: 2025-04-28. Review status: criteria provided, single submitter. Criteria: Myriad Autosomal Dominant, Autosomal Recessive and X-Linked Classification Criteria (2023). Collection method: clinical testing. Allele origin: unknown.
Comment: This variant is considered likely benign. This variant is intronic and is not expected to impact mRNA splicing.